The following is an entry in ClinVar:

NM_002206.3(ITGA7):c.2707C>T (p.His903Tyr)

Gene: ITGA7 (integrin subunit alpha 7; minus strand). Cytogenetic location: 12q13.2.
Variant type: single nucleotide variant.
Coding change: c.2707C>T on transcript NM_002206.3 (MANE Select); coding-DNA position 2707, C replaced by T.
Protein change: p.His903Tyr; replaces histidine 903 with tyrosine.
Molecular consequence: missense variant.
Genome position (GRCh38, 1-based): chr12:55,693,146, G>A on the plus strand (C>T on the coding strand, the complement: ITGA7 is on the minus strand). VCF-style: chr12-55693146-G-A. GRCh37 (hg19) VCF-style: chr12-56086930-G-A.
Other names: c.2719C>T, p.His907Tyr (NM_001144996.2); c.2428C>T, p.His810Tyr (NM_001144997.2); c.2380C>T, p.His794Tyr (NM_001367993.1); c.1363C>T, p.His455Tyr (NM_001367994.1); c.2689C>T, p.His897Tyr (NM_001374465.1); c.2839C>T, p.His947Tyr (NM_001410977.1); c.2701C>T, p.His901Tyr (NM_001414029.1); c.2632C>T, p.His878Tyr (NM_001414030.1); and 5 more; short protein forms H903Y, H907Y, H810Y, H455Y, H794Y, H897Y, H947Y, H878Y.
Identifiers: ClinVar variation 854511 (VCV000854511.1), dbSNP rs372692039, ClinGen allele CA6615507.
Genomic context (GRCh38, chr12:55,693,146, plus strand): 5'-TACTCCCCATAACATCTGTCCCCACATCTAACCCCCACCCCCACCTAAGCCTCACCAGGT[G>A]GAGGATGTTGGGCCTGGGAGAGCAAAGCCCTTTCTGCCCAGGCCCCTGCCCGCCCTCCAG-3'
Protein context (NP_002197.2, residues 893-913): GLCSPRPNIL[His903Tyr]LDVDSRDRRR

ClinVar aggregate classification (germline): Uncertain significance (1 of 4 stars; one submission).

Conditions:
Congenital muscular dystrophy due to integrin alpha-7 deficiency. Also called: MYOPATHY, CONGENITAL, DUE TO INTEGRIN ALPHA-7 DEFICIENCY; Congenital muscular dystrophy with integrin alpha-7 deficiency; Muscular dystrophy, congenital, due to ITGA7 deficiency. Identifiers: Orphanet 34520, MedGen C2750786, MONDO:0013177, OMIM 613204.

Allele frequency attached by ClinVar (database versions not stated): gnomAD exomes below 0.00001; ExAC 0.00002; gnomAD 0.00004; ESP Exome Variant Server 0.00015.
gnomAD v4.1: 9 of 1,613,750 alleles (0.00056%); highest among the groups gnomAD compares: African/African-American, 0.008%; no homozygotes.

Submission:

Labcorp Genetics (formerly Invitae), Labcorp
Classification: Uncertain significance for Muscular dystrophy, congenital, due to integrin alpha-7 deficiency. Last evaluated: 2019-01-21. Review status: criteria provided, single submitter. Criteria: Invitae Variant Classification Sherloc (09022015). Collection method: clinical testing. Allele origin: germline.
Comment: This sequence change replaces histidine with tyrosine at codon 903 of the ITGA7 protein (p.His903Tyr). The histidine residue is weakly conserved and there is a moderate physicochemical difference between histidine and tyrosine. This variant is present in population databases (rs372692039, ExAC 0.02%). This variant has not been reported in the literature in individuals with ITGA7-related conditions. Algorithms developed to predict the effect of missense changes on protein structure and function (SIFT, PolyPhen-2, Align-GVGD) all suggest that this variant is likely to be tolerated, but these predictions have not been confirmed by published functional studies and their clinical significance is uncertain. In summary, the available evidence is currently insufficient to determine the role of this variant in disease. Therefore, it has been classified as a Variant of Uncertain Significance.